The following is an entry in ClinVar:

NM_000218.3(KCNQ1):c.1301G>C (p.Gly434Ala)

Gene: KCNQ1 (potassium voltage-gated channel subfamily Q member 1; plus strand). Cytogenetic location: 11p15.5.
Variant type: single nucleotide variant.
Coding change: c.1301G>C on transcript NM_000218.3 (MANE Select); coding-DNA position 1301, G replaced by C.
Protein change: p.Gly434Ala; replaces glycine 434 with alanine.
Molecular consequence: missense variant.
Genome position (GRCh38, 1-based): chr11:2,588,762, G>C. VCF-style: chr11-2588762-G-C. GRCh37 (hg19) VCF-style: chr11-2609992-G-C.
Other names: c.1205G>C, p.Gly402Ala (NM_001406836.1); c.1031G>C, p.Gly344Ala (NM_001406837.1); c.761G>C, p.Gly254Ala (NM_001406838.1); c.920G>C, p.Gly307Ala (NM_181798.2); short protein forms G254A, G402A, G434A, G307A, G344A.
Identifiers: ClinVar variation 2773475 (VCV002773475.2), dbSNP rs1480037017, ClinGen allele CA379135002.

ClinVar aggregate classification (germline): Uncertain significance (1 of 4 stars; one submission).

Conditions:
Cardiac arrhythmia. Also called: Arrhythmia; Cardiac rhythm disease. Identifiers: MedGen C0003811, MONDO:0007263, HP:0011675.

Allele frequency attached by ClinVar (database versions not stated): gnomAD 0.00001; TOPMed 0.00001.
gnomAD v4.1: 1 of 1,613,646 alleles (0.000062%); highest among the groups gnomAD compares: Non-Finnish European, 0.000085%; no homozygotes.

Submission:

Color Diagnostics, LLC DBA Color Health
Classification: Uncertain significance for Cardiac arrhythmia. Last evaluated: 2023-11-20. Review status: criteria provided, single submitter. Criteria: ACMG Guidelines, 2015. Collection method: clinical testing. Allele origin: germline.
Comment: This missense variant replaces glycine with alanine at codon 434 of the KCNQ1 protein. Computational prediction is inconclusive regarding the impact of this variant on protein structure and function (internally defined REVEL score threshold 0.5 < inconclusive < 0.7, PMID: 27666373). To our knowledge, functional studies have not been reported for this variant. This variant has not been reported in individuals affected with KCNQ1-related disorders in the literature. This variant has not been identified in the general population by the Genome Aggregation Database (gnomAD). The available evidence is insufficient to determine the role of this variant in disease conclusively. Therefore, this variant is classified as a Variant of Uncertain Significance.